The following is an entry in ClinVar:

NM_001378964.1(CDON):c.1847G>A (p.Arg616Gln)

Gene: CDON (cell adhesion associated, oncogene regulated; minus strand). Cytogenetic location: 11q24.2.
Variant type: single nucleotide variant.
Coding change: c.1847G>A on transcript NM_001378964.1 (MANE Select); coding-DNA position 1847, G replaced by A.
Protein change: p.Arg616Gln; replaces arginine 616 with glutamine.
Molecular consequence: missense variant.
Genome position (GRCh38, 1-based): chr11:126,005,763, C>T on the plus strand (G>A on the coding strand, the complement: CDON is on the minus strand). VCF-style: chr11-126005763-C-T. GRCh37 (hg19) VCF-style: chr11-125875658-C-T.
Other names: c.1847G>A, p.Arg616Gln (NM_001243597.3, NM_016952.6); short protein forms R616Q.
Identifiers: ClinVar variation 303510 (VCV000303510.12), dbSNP rs144938780, ClinGen allele CA6351935.

ClinVar aggregate classification (germline): Conflicting classifications of pathogenicity. Review status: criteria provided, conflicting classifications (1 of 4 stars). 4 submissions from 4 submitters: Uncertain significance (2); Likely benign (2). Last evaluated 2025-02-16.

Conditions:
Inborn genetic diseases. Identifiers: MedGen C0950123, MeSH D030342.
Holoprosencephaly 11 (HPE11). Identifiers: Orphanet 2162, MedGen C3280215, MONDO:0013642, OMIM 614226.

Allele frequency attached by ClinVar (database versions not stated): gnomAD 0.00006; gnomAD exomes 0.00008; TOPMed 0.00008; ExAC 0.00012; ESP Exome Variant Server 0.00015.

Submissions (4):

Laboratory of Genetics, Children's Clinical University Hospital Latvia
Classification: Likely benign. Last evaluated: 2025-02-16. Review status: criteria provided, single submitter. Criteria: ACMG Guidelines, 2015. Collection method: clinical testing. Allele origin: germline. Affected: yes.

Labcorp Genetics (formerly Invitae), Labcorp
Classification: Uncertain significance for Holoprosencephaly 11. Last evaluated: 2023-06-22. Review status: criteria provided, single submitter. Criteria: Invitae Variant Classification Sherloc (09022015). Collection method: clinical testing. Allele origin: germline.
Comment: Advanced modeling of protein sequence and biophysical properties (such as structural, functional, and spatial information, amino acid conservation, physicochemical variation, residue mobility, and thermodynamic stability) has been performed at Invitae for this missense variant, however the output from this modeling did not meet the statistical confidence thresholds required to predict the impact of this variant on CDON protein function. This sequence change replaces arginine, which is basic and polar, with glutamine, which is neutral and polar, at codon 616 of the CDON protein (p.Arg616Gln). This variant is present in population databases (rs144938780, gnomAD 0.01%). This variant has not been reported in the literature in individuals affected with CDON-related conditions. ClinVar contains an entry for this variant (Variation ID: 303510). In summary, the available evidence is currently insufficient to determine the role of this variant in disease. Therefore, it has been classified as a Variant of Uncertain Significance.

Ambry Genetics
Classification: Likely benign for Inborn genetic diseases. Last evaluated: 2021-11-02. Review status: criteria provided, single submitter. Criteria: Ambry Variant Classification Scheme 2023. Collection method: clinical testing. Allele origin: germline.

Illumina Laboratory Services, Illumina
Classification: Uncertain significance for Holoprosencephaly 11. Last evaluated: 2018-01-13. Review status: criteria provided, single submitter. Criteria: ICSL Variant Classification Criteria 13 December 2019. Collection method: clinical testing. Allele origin: germline.